The following is an entry in ClinVar:

ClinVar aggregate classification (germline): Benign/Likely benign. Review status: criteria provided, multiple submitters, no conflicts (2 of 4 stars). 3 submissions from 3 submitters: Benign (1); Likely benign (1). 1 of the submissions does not count toward it. Last evaluated 2025-06-01.

Conditions:
KMT2C-related disorder. Also called: KMT2C-related condition; KMT2C-related disorders.

Allele frequency attached by ClinVar (database versions not stated): gnomAD 0.00004 and 0.00007; TOPMed 0.00006; gnomAD exomes 0.00013 and 0.00016; 1000 Genomes Project 30x 0.00016; ExAC 0.00016; 1000 Genomes Project 0.00020.
gnomAD v4.1: 192 of 1,613,826 alleles (0.012%); highest among the groups gnomAD compares: South Asian, 0.12%; 2 homozygotes.

Submissions (3):

CeGaT Center for Human Genetics Tuebingen
Classification: Likely benign. Last evaluated: 2025-06-01. Review status: criteria provided, single submitter. Criteria: CeGaT Center For Human Genetics Tuebingen Variant Classification Criteria Version 2. Collection method: clinical testing. Allele origin: germline. Affected: yes. Observed: 2 variant alleles.
Comment: KMT2C: BP4, BP7

Labcorp Genetics (formerly Invitae), Labcorp
Classification: Benign. Last evaluated: 2023-08-04. Review status: criteria provided, single submitter. Criteria: Invitae Variant Classification Sherloc (09022015). Collection method: clinical testing. Allele origin: germline.

PreventionGenetics, part of Exact Sciences
Classification: Likely benign for KMT2C-related condition. Last evaluated: 2024-02-20. Review status: no assertion criteria provided. Collection method: clinical testing. Allele origin: germline. Not counted in ClinVar's aggregate classification.
Comment: This variant is classified as likely benign based on ACMG/AMP sequence variant interpretation guidelines (Richards et al. 2015 PMID: 25741868, with internal and published modifications).

NM_170606.3(KMT2C):c.5634A>C (p.Ser1878=)

Gene: KMT2C (lysine methyltransferase 2C; minus strand). Cytogenetic location: 7q36.1.
Variant type: single nucleotide variant.
Coding change: c.5634A>C on transcript NM_170606.3 (MANE Select); coding-DNA position 5634, A replaced by C.
Protein change: p.Ser1878=; no amino-acid change (serine 1878 retained).
Molecular consequence: synonymous variant.
Genome position (GRCh38, 1-based): chr7:152,182,226, T>G on the plus strand (A>C on the coding strand, the complement: KMT2C is on the minus strand). VCF-style: chr7-152182226-T-G. GRCh37 (hg19) VCF-style: chr7-151879311-T-G.
Other names: c.5634A>C (NM_170606.2).
Identifiers: ClinVar variation 1558910 (VCV001558910.32), dbSNP rs558012126, ClinGen allele CA4580219.
Genomic context (GRCh38, chr7:152,182,226, plus strand): 5'-ATATGGATCCATTGGAGATGGTGGTCGTGAGTTAGAGGACCCAGGTGAAAACACTTGCGG[T>G]GAGGGTGGCTGAGAAGTCTGAGCCTGAGAAAGACTATCCTGGATGGGAATCCGGGATGGG-3'
Protein context (NP_733751.2, residues 1868-1888): LSQAQTSQPP[Ser1878=]PQVFSPGSSN